The following is an entry in ClinVar:

ClinVar aggregate classification (germline): Pathogenic (1 of 4 stars; one submission).

Conditions:
BAP1-related tumor predisposition syndrome (TPDS1). Also called: Tumor susceptibility linked to germline BAP1 mutations; BAP1 tumor predisposition syndrome; COMMON Syndrome; TUMOR PREDISPOSITION SYNDROME 1. Identifiers: Orphanet 289539, MedGen C3280492, MONDO:0013692, OMIM 614327.

Submission:

Labcorp Genetics (formerly Invitae), Labcorp
Classification: Pathogenic for BAP1-related tumor predisposition syndrome. Last evaluated: 2025-10-11. Review status: criteria provided, single submitter. Criteria: Invitae Variant Classification Sherloc (09022015). Collection method: clinical testing. Allele origin: germline.
Comment: This sequence change creates a premature translational stop signal (p.Val409Glufs*45) in the BAP1 gene. It is expected to result in an absent or disrupted protein product. Loss-of-function variants in BAP1 are known to be pathogenic (PMID: 21874000, 23684012). This variant is not present in population databases (gnomAD no frequency). This variant has not been reported in the literature in individuals affected with BAP1-related conditions. For these reasons, this variant has been classified as Pathogenic.

Literature cited by the submitters: PubMed 21874000; PubMed 23684012.

NM_004656.4(BAP1):c.1155_1225dup (p.Val409fs)

Gene: BAP1 (BRCA1 associated deubiquitinase 1; minus strand). Cytogenetic location: 3p21.1.
Variant type: Duplication.
Coding change: c.1155_1225dup on transcript NM_004656.4 (MANE Select); coding-DNA positions 1155 to 1225, 71 bases duplicated.
Protein change: p.Val409fs; shifts the reading frame from valine 409.
Molecular consequence: frameshift variant.
Genome position (GRCh38, 1-based): chr3:52,404,478-52,404,548, 71 bases duplicated. GRCh37 (hg19): chr3:52,438,496-52,438,566.
Other names: c.1101_1171dup, p.Val391fs (NM_001410772.1); short protein forms V409fs, V391fs.
Identifiers: ClinVar variation 4727816 (VCV004727816.1).